The following is an entry in ClinVar:

NM_004360.5(CDH1):c.111C>T (p.Tyr37=)

Gene: CDH1 (cadherin 1; plus strand). Cytogenetic location: 16q22.1.
Variant type: single nucleotide variant.
Coding change: c.111C>T on transcript NM_004360.5 (MANE Select); coding-DNA position 111, C replaced by T.
Protein change: p.Tyr37=; no amino-acid change (tyrosine 37 retained).
Molecular consequence: synonymous variant. On other transcripts: 5 prime UTR variant (2).
Genome position (GRCh38, 1-based): chr16:68,738,359, C>T. VCF-style: chr16-68738359-C-T. GRCh37 (hg19) VCF-style: chr16-68772262-C-T.
Other names: c.111C>T (LRG_301t1); c.111C>T, p.Tyr37= (NM_001317184.2); c.-1505C>T (NM_001317185.2); c.-1709C>T (NM_001317186.2).
Identifiers: ClinVar variation 232808 (VCV000232808.17), dbSNP rs876660002, ClinGen allele CA10580071.
Genomic context (GRCh38, chr16:68,738,359, plus strand): 5'-CTCCTCTTGGCTCTGCCAGGAGCCGGAGCCCTGCCACCCTGGCTTTGACGCCGAGAGCTA[C>T]ACGTTCACGGTGCCCCGGCGCCACCTGGAGAGAGGCCGCGTCCTGGGCAGAGGTGAGGGC-3'
Protein context (NP_004351.1, residues 27-47): PCHPGFDAES[Tyr37=]TFTVPRRHLE

ClinVar aggregate classification (germline): Benign/Likely benign. Review status: criteria provided, multiple submitters, no conflicts (2 of 4 stars). 4 submissions from 4 submitters: Benign (1); Likely benign (3). Last evaluated 2025-12-01.

Conditions:
Hereditary cancer-predisposing syndrome. Also called: Hereditary Cancer Syndrome; Neoplastic Syndromes, Hereditary; Tumor predisposition; Hereditary neoplastic syndrome. Identifiers: Orphanet 140162, MedGen C0027672, MeSH D009386, MONDO:0015356.
Hereditary diffuse gastric adenocarcinoma (HDGC). Also called: DIFFUSE GASTRIC AND LOBULAR BREAST CANCER SYNDROME. Identifiers: Orphanet 26106, MedGen C1708349, MONDO:0007648, OMIM 137215.

Allele frequency attached by ClinVar (database versions not stated): TOPMed below 0.00001; gnomAD 0.00001.
gnomAD v4.1: 1 of 1,551,142 alleles (0.000064%); highest among the groups gnomAD compares: Non-Finnish European, 0.000087%; no homozygotes.

Submissions (4):

Labcorp Genetics (formerly Invitae), Labcorp
Classification: Likely benign for Hereditary diffuse gastric adenocarcinoma. Last evaluated: 2025-12-01. Review status: criteria provided, single submitter. Criteria: Invitae Variant Classification Sherloc (09022015). Collection method: clinical testing. Allele origin: germline.

Myriad Genetics, Inc.
Classification: Benign for Hereditary diffuse gastric adenocarcinoma. Last evaluated: 2024-09-11. Review status: criteria provided, single submitter. Criteria: Myriad Autosomal Dominant, Autosomal Recessive and X-Linked Classification Criteria (2023). Collection method: clinical testing. Allele origin: unknown.
Comment: This variant is considered benign. This variant is a silent/synonymous amino acid change and it is not expected to impact splicing.

Color Diagnostics, LLC DBA Color Health
Classification: Likely benign for Hereditary cancer-predisposing syndrome. Last evaluated: 2019-03-12. Review status: criteria provided, single submitter. Criteria: ACMG Guidelines, 2015. Collection method: clinical testing. Allele origin: germline.

Ambry Genetics
Classification: Likely benign for Hereditary cancer-predisposing syndrome. Last evaluated: 2015-07-08. Review status: criteria provided, single submitter. Criteria: Ambry Variant Classification Scheme 2023. Collection method: clinical testing. Allele origin: germline.